The following is an entry in ClinVar:

NM_001369369.1(FOXN1):c.124-2A>G

Gene: FOXN1 (forkhead box N1; plus strand). Cytogenetic location: 17q11.2.
Variant type: single nucleotide variant.
Coding change: c.124-2A>G on transcript NM_001369369.1 (MANE Select); the canonical splice acceptor site of the intron before coding-DNA position 124, A replaced by G.
Molecular consequence: splice acceptor variant.
Genome position (GRCh38, 1-based): chr17:28,524,501, A>G. VCF-style: chr17-28524501-A-G. GRCh37 (hg19) VCF-style: chr17-26851519-A-G.
Other names: c.124-2A>G (NM_003593.3).
Identifiers: ClinVar variation 3641159 (VCV003641159.2).

ClinVar aggregate classification (germline): Likely pathogenic (1 of 4 stars; one submission).

Conditions:
T-cell immunodeficiency, congenital alopecia, and nail dystrophy. Also called: Congenital alopecia and nail dystrophy associated with severe functional T-cell immunodeficiency; Pignata Guarino syndrome. Identifiers: Orphanet 169095, MedGen C1866426, MONDO:0011132, OMIM 601705.

Submission:

Labcorp Genetics (formerly Invitae), Labcorp
Classification: Likely pathogenic for T-cell immunodeficiency, congenital alopecia, and nail dystrophy. Last evaluated: 2024-02-16. Review status: criteria provided, single submitter. Criteria: Invitae Variant Classification Sherloc (09022015). Collection method: clinical testing. Allele origin: germline.
Comment: This sequence change affects an acceptor splice site in intron 1 of the FOXN1 gene. It is expected to disrupt RNA splicing. Variants that disrupt the donor or acceptor splice site typically lead to a loss of protein function (PMID: 16199547), and loss-of-function variants in FOXN1 are known to be pathogenic (PMID: 10206641, 15180707, 31447097). This variant is not present in population databases (gnomAD no frequency). This variant has not been reported in the literature in individuals affected with FOXN1-related conditions. Algorithms developed to predict the effect of sequence changes on RNA splicing suggest that this variant may disrupt the consensus splice site. In summary, the currently available evidence indicates that the variant is pathogenic, but additional data are needed to prove that conclusively. Therefore, this variant has been classified as Likely Pathogenic.

Literature cited by the submitters: PubMed 16199547; PubMed 10206641; PubMed 15180707; PubMed 31447097.